The following is an entry in ClinVar:

ClinVar aggregate classification (germline): Uncertain significance (1 of 4 stars; one submission).

Conditions:
Congenital disorder of deglycosylation (CDDG). Identifiers: MedGen C3808991, MONDO:0031376.

Allele frequency attached by ClinVar (database versions not stated): gnomAD exomes below 0.00001; ExAC 0.00001.
gnomAD v4.1: 2 of 1,613,732 alleles (0.00012%); highest among the groups gnomAD compares: Middle Eastern, 0.016%; no homozygotes.

Submission:

Labcorp Genetics (formerly Invitae), Labcorp
Classification: Uncertain significance for Congenital disorder of deglycosylation. Last evaluated: 2022-05-29. Review status: criteria provided, single submitter. Criteria: Invitae Variant Classification Sherloc (09022015). Collection method: clinical testing. Allele origin: germline.
Comment: This sequence change replaces alanine, which is neutral and non-polar, with threonine, which is neutral and polar, at codon 194 of the NGLY1 protein (p.Ala194Thr). This variant is present in population databases (rs757980826, gnomAD 0.0009%). This variant has not been reported in the literature in individuals affected with NGLY1-related conditions. ClinVar contains an entry for this variant (Variation ID: 1007805). Algorithms developed to predict the effect of missense changes on protein structure and function are either unavailable or do not agree on the potential impact of this missense change (SIFT: "Deleterious"; PolyPhen-2: "Probably Damaging"; Align-GVGD: "Class C0"). In summary, the available evidence is currently insufficient to determine the role of this variant in disease. Therefore, it has been classified as a Variant of Uncertain Significance.

NM_018297.4(NGLY1):c.580G>A (p.Ala194Thr)

Gene: NGLY1 (N-glycanase 1; minus strand). Cytogenetic location: 3p24.2.
Variant type: single nucleotide variant.
Coding change: c.580G>A on transcript NM_018297.4 (MANE Select); coding-DNA position 580, G replaced by A.
Protein change: p.Ala194Thr; replaces alanine 194 with threonine.
Molecular consequence: missense variant.
Genome position (GRCh38, 1-based): chr3:25,751,176, C>T on the plus strand (G>A on the coding strand, the complement: NGLY1 is on the minus strand). VCF-style: chr3-25751176-C-T. GRCh37 (hg19) VCF-style: chr3-25792667-C-T.
Other names: c.580G>A, p.Ala194Thr (NM_001145293.2, NM_001145295.2); c.454G>A, p.Ala152Thr (NM_001145294.2); short protein forms A152T, A194T.
Identifiers: ClinVar variation 1007805 (VCV001007805.2), dbSNP rs757980826, ClinGen allele CA2289445.
Genomic context (GRCh38, chr3:25,751,176, plus strand): 5'-CTCTCGATAACTTTTCTTGTGATTTCCTTTTTAGTTCTTGGACCGGAATACAAGCCAACG[C>T]TTTCTCCTGAAGAGCAGGATTTTCATAGACCAGCACATGCTGAATGTTGGACTGAAGAAC-3'
Protein context (NP_060767.2, residues 184-204): VYENPALQEK[Ala194Thr]LACIPVQELK